The following is an entry in ClinVar:

NM_000235.4(LIPA):c.1107T>G (p.Ile369Met)

Gene: LIPA (lipase A, lysosomal acid type; minus strand). Cytogenetic location: 10q23.31.
Variant type: single nucleotide variant.
Coding change: c.1107T>G on transcript NM_000235.4 (MANE Select); coding-DNA position 1107, T replaced by G.
Protein change: p.Ile369Met; replaces isoleucine 369 with methionine.
Molecular consequence: missense variant.
Genome position (GRCh38, 1-based): chr10:89,214,921, A>C on the plus strand (T>G on the coding strand, the complement: LIPA is on the minus strand). VCF-style: chr10-89214921-A-C. GRCh37 (hg19) VCF-style: chr10-90974678-A-C.
Other names: c.1107T>G, p.Ile369Met (NM_001127605.3); c.759T>G, p.Ile253Met (NM_001288979.2); short protein forms I253M, I369M.
Identifiers: ClinVar variation 3605808 (VCV003605808.2).

ClinVar aggregate classification (germline): Uncertain significance (1 of 4 stars; one submission).

Conditions:
Wolman disease (WOLD). Also called: Acid cholesteryl ester hydrolase deficiency, Wolman type; Acid lipase disease; Wolman disease, CESD; Wolman disease with hypolipoproteinemia and acanthocytosis; LYSOSOMAL ACID LIPASE DEFICIENCY, ACUTE INFANTILE; LYSOSOMAL ACID LIPASE DEFICIENCY, COMPLETE. Identifiers: Orphanet 75233, MedGen C0043208, MONDO:0019148, OMIM 620151.

gnomAD v4.1: 2 of 1,614,122 alleles (0.00012%); highest among the groups gnomAD compares: South Asian, 0.0011%; no homozygotes.

Submission:

Labcorp Genetics (formerly Invitae), Labcorp
Classification: Uncertain significance for Wolman disease. Last evaluated: 2024-03-01. Review status: criteria provided, single submitter. Criteria: Invitae Variant Classification Sherloc (09022015). Collection method: clinical testing. Allele origin: germline.
Comment: This sequence change replaces isoleucine, which is neutral and non-polar, with methionine, which is neutral and non-polar, at codon 369 of the LIPA protein (p.Ile369Met). This variant is not present in population databases (gnomAD no frequency). This variant has not been reported in the literature in individuals affected with LIPA-related conditions. Advanced modeling of protein sequence and biophysical properties (such as structural, functional, and spatial information, amino acid conservation, physicochemical variation, residue mobility, and thermodynamic stability) performed at Invitae indicates that this missense variant is not expected to disrupt LIPA protein function with a negative predictive value of 80%. In summary, the available evidence is currently insufficient to determine the role of this variant in disease. Therefore, it has been classified as a Variant of Uncertain Significance.